The following is an entry in ClinVar:

NM_004104.5(FASN):c.3546G>C (p.Leu1182Phe)

Gene: FASN (fatty acid synthase; minus strand). Cytogenetic location: 17q25.3.
Variant type: single nucleotide variant.
Coding change: c.3546G>C on transcript NM_004104.5 (MANE Select); coding-DNA position 3546, G replaced by C.
Protein change: p.Leu1182Phe; replaces leucine 1182 with phenylalanine.
Molecular consequence: missense variant.
Genome position (GRCh38, 1-based): chr17:82,086,440, C>G on the plus strand (G>C on the coding strand, the complement: FASN is on the minus strand). VCF-style: chr17-82086440-C-G. GRCh37 (hg19) VCF-style: chr17-80044316-C-G.
Other names: short protein forms L1182F.
Identifiers: ClinVar variation 1379249 (VCV001379249.6), dbSNP rs1041147096, ClinGen allele CA295131553.

ClinVar aggregate classification (germline): Uncertain significance (1 of 4 stars; one submission).

Conditions:
Epileptic encephalopathy. Identifiers: MedGen C0543888, HP:0200134.

Allele frequency attached by ClinVar (database versions not stated): gnomAD 0.00001.
gnomAD v4.1: 1 of 1,612,030 alleles (0.000062%); highest among the groups gnomAD compares: African/African-American, 0.0013%; no homozygotes.

Submission:

Labcorp Genetics (formerly Invitae), Labcorp
Classification: Uncertain significance for Epileptic encephalopathy. Last evaluated: 2022-08-15. Review status: criteria provided, single submitter. Criteria: Invitae Variant Classification Sherloc (09022015). Collection method: clinical testing. Allele origin: germline.
Comment: This sequence change replaces leucine, which is neutral and non-polar, with phenylalanine, which is neutral and non-polar, at codon 1182 of the FASN protein (p.Leu1182Phe). This variant is not present in population databases (gnomAD no frequency). This variant has not been reported in the literature in individuals affected with FASN-related conditions. ClinVar contains an entry for this variant (Variation ID: 1379249). Algorithms developed to predict the effect of missense changes on protein structure and function are either unavailable or do not agree on the potential impact of this missense change (SIFT: "Deleterious"; PolyPhen-2: "Possibly Damaging"; Align-GVGD: "Class C0"). In summary, the available evidence is currently insufficient to determine the role of this variant in disease. Therefore, it has been classified as a Variant of Uncertain Significance.